The following is an entry in ClinVar:

NM_199242.3(UNC13D):c.775C>G (p.Gln259Glu)

Gene: UNC13D (unc-13 homolog D; minus strand). Cytogenetic location: 17q25.1.
Variant type: single nucleotide variant.
Coding change: c.775C>G on transcript NM_199242.3 (MANE Select); coding-DNA position 775, C replaced by G.
Protein change: p.Gln259Glu; replaces glutamine 259 with glutamic acid.
Molecular consequence: missense variant.
Genome position (GRCh38, 1-based): chr17:75,840,308, G>C on the plus strand (C>G on the coding strand, the complement: UNC13D is on the minus strand). VCF-style: chr17-75840308-G-C. GRCh37 (hg19) VCF-style: chr17-73836389-G-C.
Other names: short protein forms Q259E.
Identifiers: ClinVar variation 1004747 (VCV001004747.7), dbSNP rs2064938758, ClinGen allele CA401109514.

ClinVar aggregate classification (germline): Uncertain significance (1 of 4 stars; one submission).

Conditions:
Familial hemophagocytic lymphohistiocytosis 3 (FHL3). Also called: UNC13D-Related Familial Hemophagocytic Lymphohistiocytosis (UNC13D-fHLH). Identifiers: Orphanet 540, MedGen C1837174, MONDO:0012146, OMIM 608898.

Allele frequency attached by ClinVar (database versions not stated): gnomAD exomes below 0.00001.

Submission:

Labcorp Genetics (formerly Invitae), Labcorp
Classification: Uncertain significance for Familial hemophagocytic lymphohistiocytosis 3. Last evaluated: 2020-01-31. Review status: criteria provided, single submitter. Criteria: Invitae Variant Classification Sherloc (09022015). Collection method: clinical testing. Allele origin: germline.
Comment: In summary, the available evidence is currently insufficient to determine the role of this variant in disease. Therefore, it has been classified as a Variant of Uncertain Significance. Algorithms developed to predict the effect of missense changes on protein structure and function are either unavailable or do not agree on the potential impact of this missense change (SIFT: "Not Available"; PolyPhen-2: "Benign"; Align-GVGD: "Not Available"). This variant has not been reported in the literature in individuals with UNC13D-related conditions. This variant is not present in population databases (ExAC no frequency). This sequence change replaces glutamine with glutamic acid at codon 259 of the UNC13D protein (p.Gln259Glu). The glutamine residue is moderately conserved and there is a small physicochemical difference between glutamine and glutamic acid.